The following is an entry in ClinVar:

ClinVar aggregate classification (germline): Uncertain significance (1 of 4 stars; one submission).

Conditions:
Hereditary sensory and autonomic neuropathy type 6. Also called: HSAN VI; Neuropathy, hereditary sensory and autonomic, type VI. Identifiers: Orphanet 314381, MedGen C3539003, MONDO:0013839, OMIM 614653.
Epidermolysis bullosa simplex 3, localized or generalized intermediate, with BP230 deficiency (EBS3). Also called: Epidermolysis bullosa simplex, autosomal recessive 2; Epidermolysis bullosa simplex due to BP230 deficiency. Identifiers: Orphanet 412181, MedGen C3809470, MONDO:0014180, OMIM 615425.

Submission:

Labcorp Genetics (formerly Invitae), Labcorp
Classification: Uncertain significance for Epidermolysis bullosa simplex 3, localized or generalized intermediate, with BP230 deficiency; Hereditary sensory and autonomic neuropathy type 6. Last evaluated: 2022-06-22. Review status: criteria provided, single submitter. Criteria: Invitae Variant Classification Sherloc (09022015). Collection method: clinical testing. Allele origin: germline.
Comment: This variant, c.4418_4423del, results in the deletion of 2 amino acid(s) of the DST protein (p.Leu1473_Glu1474del), but otherwise preserves the integrity of the reading frame. This variant is not present in population databases (gnomAD no frequency). This variant has not been reported in the literature in individuals affected with DST-related conditions. Experimental studies and prediction algorithms are not available or were not evaluated, and the functional significance of this variant is currently unknown. In summary, the available evidence is currently insufficient to determine the role of this variant in disease. Therefore, it has been classified as a Variant of Uncertain Significance.

NM_001723.7(DST):c.4412TAGAAT[1] (p.1471LE[1])

Gene: DST (dystonin; minus strand). Cytogenetic location: 6p12.1.
Variant type: Microsatellite.
Coding change: c.4412TAGAAT[1] on transcript NM_001723.7 (MANE Plus Clinical); one copy of the 6-base unit TAGAAT starting at c.4412; the reference has two copies in a row; one copy, 6 bases deleted.
Protein change: p.1471LE[1].
Molecular consequence: inframe deletion. On other transcripts: intron variant (10).
Genome position (GRCh38, 1-based): chr6:56,619,611-56,619,616, ATTCTA deleted on the plus strand (TAGAAT on the coding strand, the reverse complement: DST is on the minus strand); deleting any 6 consecutive bases within chr6:56,619,611-56,619,623 gives the same sequence; the position shown is the placement nearest the transcript's 3' end. VCF-style (leftmost placement, unchanged base first): chr6-56619610-GATTCTA-G. GRCh37 (hg19) VCF-style: chr6-56484408-GATTCTA-G.
Other names: c.4830+4914_4830+4919del (NM_001144769.5); c.4929+4914_4929+4919del (NM_001374722.1, NM_001374736.1); c.4956+4914_4956+4919del (NM_001374734.1); c.4416+4914_4416+4919del (NM_001144770.2); c.4296+4914_4296+4919del (NM_001374730.1, NM_001386100.1, NM_183380.4 and 1 more transcripts); c.3318+4914_3318+4919del (NM_015548.5).
Identifiers: ClinVar variation 1902312 (VCV001902312.2), dbSNP rs2098667270, ClinGen allele CA1089310001.
Genomic context (GRCh38, chr6:56,619,610, plus strand): 5'-GCATGTGCCCTTGTGATTCTGTCTACTTCTCTTTGTAGTTTCCCTTTTTCATGATTAAGA[GATTCTA>G]ATTCTAACTGATAATTGCGCTTTATTTTCTTGAGATCACTAGCTTCTTGCATGGCTTCTT-3'